The following is an entry in ClinVar:

ClinVar aggregate classification (germline): Likely benign. Review status: criteria provided, multiple submitters, no conflicts (2 of 4 stars). 4 submissions from 4 submitters: Likely benign (4). Last evaluated 2025-10-23.

Conditions:
Cardiovascular phenotype. Identifiers: MedGen CN230736.
RASA1-related disorder. Also called: RASA1-related condition.
Capillary malformation-arteriovenous malformation syndrome. Also called: Capillary malformation-arteriovenous malformation. Identifiers: Orphanet 137667, MedGen C1842180, MONDO:0012016.

Allele frequency attached by ClinVar (database versions not stated): ExAC 0.00002; gnomAD exomes 0.00003 and 0.00002.
gnomAD v4.1: 45 of 1,612,556 alleles (0.0028%); highest among the groups gnomAD compares: Non-Finnish European, 0.0036%; no homozygotes.

Submissions (4):

Mayo Clinic Laboratories, Mayo Clinic
Classification: Likely benign. Last evaluated: 2025-10-23. Review status: criteria provided, single submitter. Criteria: ACMG Guidelines, 2015. Collection method: clinical testing. Allele origin: germline. Observed: 1 variant allele.
Comment: BP4, BP7

PreventionGenetics, part of Exact Sciences
Classification: Likely benign for RASA1-related condition. Last evaluated: 2025-01-14. Review status: criteria provided, single submitter. Criteria: ACMG Guidelines, 2015. Collection method: clinical testing. Allele origin: germline.
Comment: This variant is classified as likely benign based on ACMG/AMP sequence variant interpretation guidelines (Richards et al. 2015 PMID: 25741868, with internal and published modifications).

Ambry Genetics
Classification: Likely benign for Cardiovascular phenotype. Last evaluated: 2023-07-05. Review status: criteria provided, single submitter. Criteria: Ambry Variant Classification Scheme 2023. Collection method: clinical testing. Allele origin: germline.

Labcorp Genetics (formerly Invitae), Labcorp
Classification: Likely benign for Capillary malformation-arteriovenous malformation syndrome. Last evaluated: 2022-04-13. Review status: criteria provided, single submitter. Criteria: Invitae Variant Classification Sherloc (09022015). Collection method: clinical testing. Allele origin: germline.

NM_002890.3(RASA1):c.1575T>C (p.Cys525=)

Genes: CCNH (cyclin H; minus strand), RASA1 (RAS p21 protein activator 1; plus strand). Cytogenetic location: 5q14.3.
Variant type: single nucleotide variant.
Coding change: c.1575T>C on transcript NM_002890.3 (MANE Select); coding-DNA position 1575, T replaced by C.
Protein change: p.Cys525=; no amino-acid change (cysteine 525 retained).
Molecular consequence: synonymous variant. On other transcripts: intron variant (1).
Genome position (GRCh38, 1-based): chr5:87,363,469, T>C. VCF-style: chr5-87363469-T-C. GRCh37 (hg19) VCF-style: chr5-86659286-T-C.
Other names: p.Cys525=; c.1575T>C (NM_002890.2); c.1044T>C, p.Cys348= (NM_022650.3); c.933+31575A>G (NM_001364075.2).
Identifiers: ClinVar variation 1562345 (VCV001562345.10), dbSNP rs758578004, ClinGen allele CA3335778.